The following is an entry in ClinVar:

NM_004329.3(BMPR1A):c.973A>G (p.Thr325Ala)

Gene: BMPR1A (bone morphogenetic protein receptor type 1A; plus strand). Cytogenetic location: 10q23.2.
Variant type: single nucleotide variant.
Coding change: c.973A>G on transcript NM_004329.3 (MANE Select); coding-DNA position 973, A replaced by G.
Protein change: p.Thr325Ala; replaces threonine 325 with alanine.
Molecular consequence: missense variant.
Genome position (GRCh38, 1-based): chr10:86,919,276, A>G. VCF-style: chr10-86919276-A-G. GRCh37 (hg19) VCF-style: chr10-88679033-A-G.
Other names: short protein forms T325A.
Identifiers: ClinVar variation 460518 (VCV000460518.20), dbSNP rs1554891047, ClinGen allele CA377460338.
Genomic context (GRCh38, chr10:86,919,276, plus strand): 5'-CTCTATTTGATTACTGATTACCATGAAAATGGATCTCTCTATGACTTCCTGAAATGTGCT[A>G]CACTGGACACCAGAGCCCTGCTTAAATTGGCTTATTCAGCTGCCTGTGGTCTGTGCCACC-3'
Protein context (NP_004320.2, residues 315-335): GSLYDFLKCA[Thr325Ala]LDTRALLKLA

ClinVar aggregate classification (germline): Uncertain significance. Review status: criteria provided, multiple submitters, no conflicts (2 of 4 stars). 5 submissions from 5 submitters: Uncertain significance (5). Last evaluated 2025-12-12.

Conditions:
Juvenile polyposis syndrome (JPS). Identifiers: Orphanet 2929, MedGen C0345893, MONDO:0017380, OMIM 174900.
Hereditary cancer-predisposing syndrome. Also called: Hereditary neoplastic syndrome; Neoplastic Syndromes, Hereditary; Tumor predisposition; Hereditary Cancer Syndrome. Identifiers: Orphanet 140162, MedGen C0027672, MeSH D009386, MONDO:0015356.
Polyposis syndrome, hereditary mixed, 2. Identifiers: Orphanet 157794, MedGen C1864730, MONDO:0012405, OMIM 610069.

Allele frequency attached by ClinVar (database versions not stated): gnomAD exomes below 0.00001; TOPMed below 0.00001.

Submissions (5):

Ambry Genetics
Classification: Uncertain significance for Hereditary cancer-predisposing syndrome. Last evaluated: 2025-12-12. Review status: criteria provided, single submitter. Criteria: Ambry Variant Classification Scheme 2023. Collection method: clinical testing. Allele origin: germline.
Comment: The p.T325A variant (also known as c.973A>G), located in coding exon 8 of the BMPR1A gene, results from an A to G substitution at nucleotide position 973. The threonine at codon 325 is replaced by alanine, an amino acid with similar properties. This amino acid position is conserved. In addition, the in silico prediction for this alteration is inconclusive. Since supporting evidence is limited at this time, the clinical significance of this alteration remains unclear.

Labcorp Genetics (formerly Invitae), Labcorp
Classification: Uncertain significance for Juvenile polyposis syndrome. Last evaluated: 2025-12-10. Review status: criteria provided, single submitter. Criteria: Invitae Variant Classification Sherloc (09022015). Collection method: clinical testing. Allele origin: germline.
Comment: This sequence change replaces threonine, which is neutral and polar, with alanine, which is neutral and non-polar, at codon 325 of the BMPR1A protein (p.Thr325Ala). This variant is not present in population databases (gnomAD no frequency). This variant has not been reported in the literature in individuals affected with BMPR1A-related conditions. ClinVar contains an entry for this variant (Variation ID: 460518). Invitae Evidence Modeling incorporating data from in vitro experimental studies (internal data) indicates that this missense variant is not expected to disrupt BMPR1A function with a negative predictive value of 95%. In summary, the available evidence is currently insufficient to determine the role of this variant in disease. Therefore, it has been classified as a Variant of Uncertain Significance.

Color Diagnostics, LLC DBA Color Health
Classification: Uncertain significance for Hereditary cancer-predisposing syndrome. Last evaluated: 2024-03-06. Review status: criteria provided, single submitter. Criteria: ACMG Guidelines, 2015. Collection method: clinical testing. Allele origin: germline.
Comment: This missense variant replaces threonine with alanine at codon 325 of the BMPR1A protein. Computational prediction is inconclusive regarding the impact of this variant on protein structure and function (internally defined REVEL score threshold 0.5 < inconclusive < 0.7, PMID: 27666373). To our knowledge, functional studies have not been reported for this variant. This variant has not been reported in individuals affected with BMPR1A-related disorders in the literature. This variant has not been identified in the general population by the Genome Aggregation Database (gnomAD). The available evidence is insufficient to determine the role of this variant in disease conclusively. Therefore, this variant is classified as a Variant of Uncertain Significance.

Baylor Genetics
Classification: Uncertain significance for Polyposis syndrome, hereditary mixed, 2. Last evaluated: 2023-11-20. Review status: criteria provided, single submitter. Criteria: ACMG Guidelines, 2015. Collection method: clinical testing. Allele origin: unknown.

All of Us Research Program, National Institutes of Health
Classification: Uncertain significance for Juvenile polyposis syndrome. Last evaluated: 2023-06-08. Review status: criteria provided, single submitter. Criteria: ACMG Guidelines, 2015. Collection method: clinical testing. Allele origin: germline. Inheritance: Autosomal dominant inheritance. Observed: 1 variant allele, 1 heterozygote.
Comment: This missense variant replaces threonine with alanine at codon 325 of the BMPR1A protein. Computational prediction is inconclusive regarding the impact of this variant on protein structure and function (internally defined REVEL score threshold 0.5 < inconclusive < 0.7, PMID: 27666373). To our knowledge, functional studies have not been reported for this variant. This variant has not been reported in individuals affected with BMPR1A-related disorders in the literature. This variant has not been identified in the general population by the Genome Aggregation Database (gnomAD). The available evidence is insufficient to determine the role of this variant in disease conclusively. Therefore, this variant is classified as a Variant of Uncertain Significance.

This study involves interpretation of variants in research participants for the purpose of population health screening. Participant phenotype was not available at the time of variant classification. Additional details can be found in publication PMID: 35346344, PMCID: PMC8962531